The following is an entry in ClinVar:

ClinVar aggregate classification (germline): Likely pathogenic (1 of 4 stars; one submission).

Submission:

GeneDx
Classification: Likely pathogenic. Last evaluated: 2013-01-03. Review status: criteria provided, single submitter. Criteria: GeneDx Variant Classification (06012015). Collection method: clinical testing. Allele origin: germline. Affected: yes.
Comment: p.Gly408Glu (GGA>GAA): c.1223 G>A in exon 18 of the COL3A1 gene (NM_000090.3) The Gly408Glu variant in the COL3A1 gene has not been reported as a disease-causing mutation or as a benign polymorphism to our knowledge. Gly408Glu results in a non-conservative amino acid substitution of a nonpolar Glycine with a polar Glutamic acid at a position that is conserved across species. In silico analysis predicts Gly408Glu is probably damaging to the protein structure/function. A mutation in a nearby residue (Gly417Arg) has been reported in association with EDS type IV, further supporting the functional importance of this region of the protein. In addition, the NHLBI ESP Exome Variant Server reports Gly408Glu was not observed in approximately 6000 samples from individuals of European and African American backgrounds, indicating it is not a common benign variant in these populations. In summary, Gly408Glu is a good candidate for a disease-causing mutation. The variant is found in TAAD panel(s).

NM_000090.4(COL3A1):c.1223G>A (p.Gly408Glu)

Gene: COL3A1 (collagen type III alpha 1 chain; plus strand). Cytogenetic location: 2q32.2.
Variant type: single nucleotide variant.
Coding change: c.1223G>A on transcript NM_000090.4 (MANE Select); coding-DNA position 1223, G replaced by A.
Protein change: p.Gly408Glu; replaces glycine 408 with glutamic acid.
Molecular consequence: missense variant.
Genome position (GRCh38, 1-based): chr2:188,994,262, G>A. VCF-style: chr2-188994262-G-A. GRCh37 (hg19) VCF-style: chr2-189858988-G-A.
Other names: p.G408E:GGA>GAA; short protein forms G408E.
Identifiers: ClinVar variation 199719 (VCV000199719.2), dbSNP rs794728043, ClinGen allele CA004140.
Genomic context (GRCh38, chr2:188,994,262, plus strand): 5'-CGGCTAATATAGTGTCTTTGGTTTGTTCTTAGGGTCCCGCTGGCATTCCTGGAGCTCCTG[G>A]ACTGATGGGAGCCCGGGGTCCTCCAGGACCAGCCGGTGCTAATGGTGCTCCTGGACTGCG-3'
Protein context (NP_000081.2, residues 398-418): MGPAGIPGAP[Gly408Glu]LMGARGPPGP